The following is an entry in ClinVar:

ClinVar aggregate classification (germline): Uncertain significance (1 of 4 stars; one submission).

Submission:

GeneDx
Classification: Uncertain significance. Last evaluated: 2025-06-01. Review status: criteria provided, single submitter. Criteria: GeneDx Variant Classification Process June 2021. Collection method: clinical testing. Allele origin: germline. Affected: yes.
Comment: Not observed at significant frequency in large population cohorts (gnomAD); In silico analysis supports that this missense variant has a deleterious effect on protein structure/function; Has not been previously published as pathogenic or benign to our knowledge

NM_001429.4(EP300):c.2180C>G (p.Pro727Arg)

Gene: EP300 (EP300 lysine acetyltransferase; plus strand). Cytogenetic location: 22q13.2.
Variant type: single nucleotide variant.
Coding change: c.2180C>G on transcript NM_001429.4 (MANE Select); coding-DNA position 2180, C replaced by G.
Protein change: p.Pro727Arg; replaces proline 727 with arginine.
Molecular consequence: missense variant.
Genome position (GRCh38, 1-based): chr22:41,147,885, C>G. VCF-style: chr22-41147885-C-G. GRCh37 (hg19) VCF-style: chr22-41543889-C-G.
Other names: c.2102C>G, p.Pro701Arg (NM_001362843.2); short protein forms P701R, P727R.
Identifiers: ClinVar variation 4532658 (VCV004532658.1).